The following is an entry in ClinVar:

NM_004655.4(AXIN2):c.1436C>G (p.Ser479Cys)

Gene: AXIN2 (axin 2; minus strand). Cytogenetic location: 17q24.1.
Variant type: single nucleotide variant.
Coding change: c.1436C>G on transcript NM_004655.4 (MANE Select); coding-DNA position 1436, C replaced by G.
Protein change: p.Ser479Cys; replaces serine 479 with cysteine.
Molecular consequence: missense variant.
Genome position (GRCh38, 1-based): chr17:65,537,600, G>C on the plus strand (C>G on the coding strand, the complement: AXIN2 is on the minus strand). VCF-style: chr17-65537600-G-C. GRCh37 (hg19) VCF-style: chr17-63533718-G-C.
Other names: c.1436C>G (LRG_296t1); c.1436C>G, p.Ser479Cys (NM_001363813.1); short protein forms S479C.
Identifiers: ClinVar variation 662083 (VCV000662083.13), dbSNP rs137933764, ClinGen allele CA400677499.

ClinVar aggregate classification (germline): Uncertain significance. Review status: criteria provided, multiple submitters, no conflicts (2 of 4 stars). 2 submissions from 2 submitters: Uncertain significance (2). Last evaluated 2025-09-27.

Conditions:
Oligodontia-cancer predisposition syndrome. Also called: TOOTH AGENESIS-COLORECTAL CANCER SYNDROME. Identifiers: Orphanet 300576, MedGen C1837750, MONDO:0012075, OMIM 608615. Disease mechanism: loss of function.
Hereditary cancer-predisposing syndrome. Also called: Neoplastic Syndromes, Hereditary; Tumor predisposition; Hereditary neoplastic syndrome; Hereditary Cancer Syndrome. Identifiers: Orphanet 140162, MedGen C0027672, MeSH D009386, MONDO:0015356.

Submissions (2):

Labcorp Genetics (formerly Invitae), Labcorp
Classification: Uncertain significance for Oligodontia-cancer predisposition syndrome. Last evaluated: 2025-09-27. Review status: criteria provided, single submitter. Criteria: Invitae Variant Classification Sherloc (09022015). Collection method: clinical testing. Allele origin: germline.
Comment: This sequence change replaces serine, which is neutral and polar, with cysteine, which is neutral and slightly polar, at codon 479 of the AXIN2 protein (p.Ser479Cys). This variant is not present in population databases (gnomAD no frequency). This variant has not been reported in the literature in individuals affected with AXIN2-related conditions. ClinVar contains an entry for this variant (Variation ID: 662083). An algorithm developed to predict the effect of missense changes on protein structure and function (PolyPhen-2) suggests that this variant is likely to be tolerated. In summary, the available evidence is currently insufficient to determine the role of this variant in disease. Therefore, it has been classified as a Variant of Uncertain Significance.

Ambry Genetics
Classification: Uncertain significance for Hereditary cancer-predisposing syndrome. Last evaluated: 2025-03-10. Review status: criteria provided, single submitter. Criteria: Ambry Variant Classification Scheme 2023. Collection method: clinical testing. Allele origin: germline.
Comment: The p.S479C variant (also known as c.1436C>G), located in coding exon 5 of the AXIN2 gene, results from a C to G substitution at nucleotide position 1436. The serine at codon 479 is replaced by cysteine, an amino acid with dissimilar properties. This amino acid position is conserved. In addition, this alteration is predicted to be tolerated by in silico analysis. Since supporting evidence is limited at this time, the clinical significance of this alteration remains unclear.